The following is an entry in ClinVar:

NM_004946.3(DOCK2):c.1205A>G (p.Asp402Gly)

Gene: DOCK2 (dedicator of cytokinesis 2; plus strand). Cytogenetic location: 5q35.1.
Variant type: single nucleotide variant.
Coding change: c.1205A>G on transcript NM_004946.3 (MANE Select); coding-DNA position 1205, A replaced by G.
Protein change: p.Asp402Gly; replaces aspartic acid 402 with glycine.
Molecular consequence: missense variant. On other transcripts: non-coding transcript variant (1).
Genome position (GRCh38, 1-based): chr5:169,700,086, A>G. VCF-style: chr5-169700086-A-G. GRCh37 (hg19) VCF-style: chr5-169127090-A-G.
Other names: short protein forms D402G.
Identifiers: ClinVar variation 1057279 (VCV001057279.9), dbSNP rs1332833228, ClinGen allele CA362105802.

ClinVar aggregate classification (germline): Uncertain significance (1 of 4 stars; one submission).

Conditions:
DOCK2 deficiency. Also called: Immunodeficiency 40. Identifiers: Orphanet 447737, MedGen C4225328, MONDO:0014637, OMIM 616433.

Allele frequency attached by ClinVar (database versions not stated): gnomAD exomes below 0.00001.
gnomAD v4.1: 1 of 1,614,060 alleles (0.000062%); highest among the groups gnomAD compares: Non-Finnish European, 0.000085%; no homozygotes.

Submission:

Labcorp Genetics (formerly Invitae), Labcorp
Classification: Uncertain significance for DOCK2 deficiency. Last evaluated: 2024-02-24. Review status: criteria provided, single submitter. Criteria: Invitae Variant Classification Sherloc (09022015). Collection method: clinical testing. Allele origin: germline.
Comment: This sequence change replaces aspartic acid, which is acidic and polar, with glycine, which is neutral and non-polar, at codon 402 of the DOCK2 protein (p.Asp402Gly). This variant is present in population databases (no rsID available, gnomAD 0.0009%). This variant has not been reported in the literature in individuals affected with DOCK2-related conditions. ClinVar contains an entry for this variant (Variation ID: 1057279). An algorithm developed to predict the effect of missense changes on protein structure and function (PolyPhen-2) suggests that this variant is likely to be disruptive. In summary, the available evidence is currently insufficient to determine the role of this variant in disease. Therefore, it has been classified as a Variant of Uncertain Significance.